The following is an entry in ClinVar:

ClinVar aggregate classification (germline): Uncertain significance (1 of 4 stars; one submission).

Conditions:
Cystic fibrosis (CF). Also called: MUCOVISCIDOSIS. Identifiers: Orphanet 586, MedGen C0010674, MONDO:0009061, OMIM 219700. Disease mechanism: loss of function.

Submission:

Ambry Genetics
Classification: Uncertain significance for Cystic fibrosis. Last evaluated: 2024-02-10. Review status: criteria provided, single submitter. Criteria: Ambry Variant Classification Scheme 2023. Collection method: clinical testing. Allele origin: germline.
Comment: The p.Q353R variant (also known as c.1058A>G), located in coding exon 8 of the CFTR gene, results from an A to G substitution at nucleotide position 1058. The glutamine at codon 353 is replaced by arginine, an amino acid with highly similar properties. This amino acid position is conserved. In addition, this alteration is predicted to be deleterious by in silico analysis. Since supporting evidence is limited at this time, the clinical significance of this alteration remains unclear.

NM_000492.4(CFTR):c.1058A>G (p.Gln353Arg)

Gene: CFTR (CF transmembrane conductance regulator; plus strand). Cytogenetic location: 7q31.2.
Variant type: single nucleotide variant.
Coding change: c.1058A>G on transcript NM_000492.4 (MANE Select); coding-DNA position 1058, A replaced by G.
Protein change: p.Gln353Arg; replaces glutamine 353 with arginine.
Molecular consequence: missense variant.
Genome position (GRCh38, 1-based): chr7:117,540,288, A>G. VCF-style: chr7-117540288-A-G. GRCh37 (hg19) VCF-style: chr7-117180342-A-G.
Other names: short protein forms Q353R.
Identifiers: ClinVar variation 1779126 (VCV001779126.2), dbSNP rs2485027041, ClinGen allele CA368978919.